The following is an entry in ClinVar:

ClinVar aggregate classification (germline): Uncertain significance (1 of 4 stars; one submission).

Conditions:
Hereditary cancer-predisposing syndrome. Also called: Tumor predisposition; Hereditary neoplastic syndrome; Neoplastic Syndromes, Hereditary; Hereditary Cancer Syndrome. Identifiers: Orphanet 140162, MedGen C0027672, MeSH D009386, MONDO:0015356.

Submission:

Ambry Genetics
Classification: Uncertain significance for Hereditary cancer-predisposing syndrome. Last evaluated: 2025-05-02. Review status: criteria provided, single submitter. Criteria: Ambry Variant Classification Scheme 2023. Collection method: clinical testing. Allele origin: germline.
Comment: The p.I89V variant (also known as c.265A>G), located in coding exon 3 of the FANCC gene, results from an A to G substitution at nucleotide position 265. The isoleucine at codon 89 is replaced by valine, an amino acid with highly similar properties. This amino acid position is conserved. In addition, this alteration is predicted to be tolerated by in silico analysis. Based on the available evidence, the clinical significance of this variant remains unclear.

NM_000136.3(FANCC):c.265A>G (p.Ile89Val)

Gene: FANCC (FA complementation group C; minus strand). Cytogenetic location: 9q22.32.
Variant type: single nucleotide variant.
Coding change: c.265A>G on transcript NM_000136.3 (MANE Select); coding-DNA position 265, A replaced by G.
Protein change: p.Ile89Val; replaces isoleucine 89 with valine.
Molecular consequence: missense variant.
Genome position (GRCh38, 1-based): chr9:95,240,729, T>C on the plus strand (A>G on the coding strand, the complement: FANCC is on the minus strand). VCF-style: chr9-95240729-T-C. GRCh37 (hg19) VCF-style: chr9-98003011-T-C.
Other names: c.265A>G, p.Ile89Val (NM_001243743.2, NM_001243744.2); short protein forms I89V.
Identifiers: ClinVar variation 4022414 (VCV004022414.1).